The following is an entry in ClinVar:

NM_000553.6(WRN):c.1840A>G (p.Ile614Val)

Gene: WRN (WRN RecQ like helicase; plus strand). Cytogenetic location: 8p12.
Variant type: single nucleotide variant.
Coding change: c.1840A>G on transcript NM_000553.6 (MANE Select); coding-DNA position 1840, A replaced by G.
Protein change: p.Ile614Val; replaces isoleucine 614 with valine.
Molecular consequence: missense variant.
Genome position (GRCh38, 1-based): chr8:31,091,840, A>G. VCF-style: chr8-31091840-A-G. GRCh37 (hg19) VCF-style: chr8-30949356-A-G.
Other names: short protein forms I614V.
Identifiers: ClinVar variation 404036 (VCV000404036.11), dbSNP rs577000913, ClinGen allele CA4704514.
Genomic context (GRCh38, chr8:31,091,840, plus strand): 5'-ATATGTGTAATGTGTACATGGTGCCAGAATATTTGTTTTTCTTCTTATAGAATGTCCAAC[A>G]TCCCAGCTTGCTTCCTTGGATCAGCACAGTCAGAAAATGTTCTAACAGATATTAAATTGT-3'
Protein context (NP_000544.2, residues 604-624): DQVLQLKMSN[Ile614Val]PACFLGSAQS

ClinVar aggregate classification (germline): Uncertain significance. Review status: criteria provided, multiple submitters, no conflicts (2 of 4 stars). 4 submissions from 4 submitters: Uncertain significance (4). Last evaluated 2024-11-03.

Conditions:
Inborn genetic diseases. Identifiers: MedGen C0950123, MeSH D030342.
Werner syndrome (WRN). Identifiers: Orphanet 902, MedGen C0043119, MONDO:0010196, OMIM 277700.

Allele frequency attached by ClinVar (database versions not stated): TOPMed 0.00005; gnomAD 0.00007 and 0.00008; 1000 Genomes Project 30x 0.00016; 1000 Genomes Project 0.00020; ExAC 0.00003; gnomAD exomes 0.00004.
gnomAD v4.1: 77 of 1,613,248 alleles (0.0048%); highest among the groups gnomAD compares: Non-Finnish European, 0.0059%; no homozygotes.

Submissions (4):

Labcorp Genetics (formerly Invitae), Labcorp
Classification: Uncertain significance for Werner syndrome. Last evaluated: 2024-11-03. Review status: criteria provided, single submitter. Criteria: Invitae Variant Classification Sherloc (09022015). Collection method: clinical testing. Allele origin: germline.
Comment: This sequence change replaces isoleucine, which is neutral and non-polar, with valine, which is neutral and non-polar, at codon 614 of the WRN protein (p.Ile614Val). The frequency data for this variant in the population databases is considered unreliable, as metrics indicate poor data quality at this position in the gnomAD database. This variant has not been reported in the literature in individuals affected with WRN-related conditions. ClinVar contains an entry for this variant (Variation ID: 404036). An algorithm developed to predict the effect of missense changes on protein structure and function outputs the following: PolyPhen-2: "Benign". The valine amino acid residue is found in multiple mammalian species, which suggests that this missense change does not adversely affect protein function. In summary, the available evidence is currently insufficient to determine the role of this variant in disease. Therefore, it has been classified as a Variant of Uncertain Significance.

Ambry Genetics
Classification: Uncertain significance for Inborn genetic diseases. Last evaluated: 2024-08-04. Review status: criteria provided, single submitter. Criteria: Ambry Variant Classification Scheme 2023. Collection method: clinical testing. Allele origin: germline.

Blueprint Genetics
Classification: Uncertain significance. Last evaluated: 2024-06-12. Review status: criteria provided, single submitter. Criteria: ACMG Guidelines, 2015. Collection method: clinical testing. Allele origin: germline.

Fulgent Genetics
Classification: Uncertain significance for Werner syndrome. Last evaluated: 2022-03-03. Review status: criteria provided, single submitter. Criteria: ACMG Guidelines, 2015. Collection method: clinical testing. Allele origin: unknown.